The following is an entry in ClinVar:

NM_004336.5(BUB1):c.470G>T (p.Arg157Ile)

Gene: BUB1 (BUB1 mitotic checkpoint serine/threonine kinase; minus strand). Cytogenetic location: 2q13.
Variant type: single nucleotide variant.
Coding change: c.470G>T on transcript NM_004336.5 (MANE Select); coding-DNA position 470, G replaced by T.
Protein change: p.Arg157Ile; replaces arginine 157 with isoleucine.
Molecular consequence: missense variant.
Genome position (GRCh38, 1-based): chr2:110,669,550, C>A on the plus strand (G>T on the coding strand, the complement: BUB1 is on the minus strand). VCF-style: chr2-110669550-C-A. GRCh37 (hg19) VCF-style: chr2-111427127-C-A.
Other names: c.410G>T, p.Arg137Ile (NM_001278616.2); c.470G>T, p.Arg157Ile (NM_001278617.2); short protein forms R137I, R157I.
Identifiers: ClinVar variation 3224102 (VCV003224102.1), dbSNP rs2468031078, ClinGen allele CA348219402.

ClinVar aggregate classification (germline): Uncertain significance (1 of 4 stars; one submission).

Submission:

Ambry Genetics
Classification: Uncertain significance. Last evaluated: 2024-02-28. Review status: criteria provided, single submitter. Criteria: Ambry Variant Classification Scheme 2023. Collection method: clinical testing. Allele origin: germline.
Comment: The p.R157I variant (also known as c.470G>T), located in coding exon 6 of the BUB1 gene, results from a G to T substitution at nucleotide position 470. The arginine at codon 157 is replaced by isoleucine, an amino acid with similar properties. This amino acid position is conserved. In addition, this alteration is predicted to be tolerated by in silico analysis. Based on the available evidence, the clinical significance of this alteration remains unclear.